The following is an entry in ClinVar:

ClinVar aggregate classification (germline): Conflicting classifications of pathogenicity. Review status: criteria provided, conflicting classifications (1 of 4 stars). 6 submissions from 6 submitters: Uncertain significance (4); Likely benign (2). Last evaluated 2025-09-19.

Conditions:
Hereditary breast ovarian cancer syndrome. Also called: Breast and ovarian cancer; Hereditary breast and ovarian cancer; Hereditary breast and ovarian cancer syndrome; Hereditary breast and/or ovarian cancer syndrome; BRCA1- and BRCA2-Associated Hereditary Breast and Ovarian Cancer; Hereditary breast and ovarian cancer syndrome (HBOC). Identifiers: Orphanet 145, MedGen C0677776, MeSH D061325, MONDO:0003582. Disease mechanism: loss of function.
Hereditary cancer-predisposing syndrome. Also called: Tumor predisposition; Hereditary Cancer Syndrome; Neoplastic Syndromes, Hereditary; Hereditary neoplastic syndrome. Identifiers: Orphanet 140162, MedGen C0027672, MeSH D009386, MONDO:0015356.
Breast-ovarian cancer, familial, susceptibility to, 1 (BROVCA1). Also called: BRCA1 Hereditary Breast and Ovarian Cancer; OVARIAN CANCER, SUSCEPTIBILITY TO. Identifiers: Orphanet 145, MedGen C2676676, MONDO:0011450, OMIM 604370. Disease mechanism: loss of function.

Allele frequency attached by ClinVar (database versions not stated): gnomAD 0.00001; TOPMed 0.00001.
gnomAD v4.1: 1 of 1,613,080 alleles (0.000062%); highest among the groups gnomAD compares: African/African-American, 0.0013%; no homozygotes.

Submissions (6):

Labcorp Genetics (formerly Invitae), Labcorp
Classification: Uncertain significance for Hereditary breast ovarian cancer syndrome. Last evaluated: 2025-09-19. Review status: criteria provided, single submitter. Criteria: Invitae Variant Classification Sherloc (09022015). Collection method: clinical testing. Allele origin: germline.
Comment: This sequence change replaces glutamic acid, which is acidic and polar, with aspartic acid, which is acidic and polar, at codon 1115 of the BRCA1 protein (p.Glu1115Asp). This variant is present in population databases (no rsID available, gnomAD 0.01%). This variant has not been reported in the literature in individuals affected with BRCA1-related conditions. ClinVar contains an entry for this variant (Variation ID: 229872). Invitae Evidence Modeling of protein sequence and biophysical properties (such as structural, functional, and spatial information, amino acid conservation, physicochemical variation, residue mobility, and thermodynamic stability) indicates that this missense variant is not expected to disrupt BRCA1 protein function with a negative predictive value of 80%. In summary, the available evidence is currently insufficient to determine the role of this variant in disease. Therefore, it has been classified as a Variant of Uncertain Significance.

Myriad Genetics, Inc.
Classification: Likely benign for Breast-ovarian cancer, familial, susceptibility to, 1. Last evaluated: 2025-04-21. Review status: criteria provided, single submitter. Criteria: Myriad Autosomal Dominant, Autosomal Recessive and X-Linked Classification Criteria (2023). Collection method: clinical testing. Allele origin: unknown.
Comment: This variant is considered likely benign. This variant is strongly associated with less severe personal and family histories of cancer, typical for individuals without pathogenic variants in this gene [PMID: 25085752].

Ambry Genetics
Classification: Uncertain significance for Hereditary cancer-predisposing syndrome. Last evaluated: 2025-01-30. Review status: criteria provided, single submitter. Criteria: Ambry Variant Classification Scheme 2023. Collection method: clinical testing. Allele origin: germline.

GeneDx
Classification: Uncertain significance. Last evaluated: 2023-10-24. Review status: criteria provided, single submitter. Criteria: GeneDx Variant Classification Process June 2021. Collection method: clinical testing. Allele origin: germline. Affected: yes.
Comment: Not observed at significant frequency in large population cohorts (gnomAD); In silico analysis supports that this missense variant does not alter protein structure/function; Has not been previously published as pathogenic or benign to our knowledge; Also known as 3464A>C; This variant is associated with the following publications: (PMID: 32377563, 29884841)

Quest Diagnostics Nichols Institute San Juan Capistrano
Classification: Uncertain significance. Last evaluated: 2023-06-21. Review status: criteria provided, single submitter. Criteria: Quest Diagnostics criteria. Collection method: clinical testing. Allele origin: unknown.
Comment: This variant has not been reported in the published literature. The frequency of this variant in the general population, 0.000032 (1/31396 chromosomes (Genome Aggregation Database)), is uninformative in the assessment of its pathogenicity. Analysis of this variant using bioinformatics tools for the prediction of the effect of amino acid changes on protein structure and function yielded conflicting predictions that this variant is benign or damaging. Based on the available information, we are unable to determine the clinical significance of this variant.

University of Washington Department of Laboratory Medicine, University of Washington
Classification: Likely benign for Hereditary cancer-predisposing syndrome. Last evaluated: 2023-03-23. Review status: criteria provided, single submitter. Criteria: Dines et al. (Genet Med. 2020). Collection method: curation. Allele origin: germline.
Comment: Missense variant in a coldspot region where missense variants are very unlikely to be pathogenic (PMID:31911673).

BRCA1 coldspot (exon 11 using historical exon numbering). Reclassification based on statistical prior probability

Literature cited by the submitters: PubMed 25085752 (cited by Myriad Genetics, Inc.); PubMed 31911673 (cited by Quest Diagnostics Nichols Institute San Juan Capistrano).

NM_007294.4(BRCA1):c.3345A>C (p.Glu1115Asp)

Genes: BRCA1 (BRCA1 DNA repair associated; minus strand), LOC126862571 (BRD4-independent group 4 enhancer GRCh37_chr17:41243136-41244335; plus strand). Cytogenetic location: 17q21.31.
Variant type: single nucleotide variant.
Coding change: c.3345A>C on transcript NM_007294.4 (MANE Select); coding-DNA position 3345, A replaced by C.
Protein change: p.Glu1115Asp; replaces glutamic acid 1115 with aspartic acid.
Molecular consequence: missense variant. On other transcripts: intron variant (137).
Genome position (GRCh38, 1-based): chr17:43,092,186, T>G on the plus strand (A>C on the coding strand, the complement: BRCA1 is on the minus strand). VCF-style: chr17-43092186-T-G. GRCh37 (hg19) VCF-style: chr17-41244203-T-G.
Other names: c.3141A>C, p.Glu1047Asp (NM_001407875.1, NM_001407874.1); c.3135A>C, p.Glu1045Asp (NM_001407879.1, NM_001407881.1, NM_001407882.1 and 13 more transcripts); c.3132A>C, p.Glu1044Asp (NM_001407894.1, NM_001407895.1, NM_001407896.1 and 9 more transcripts); c.3222A>C, p.Glu1074Asp (NM_001407919.1, NM_001407937.1, NM_001407938.1 and 19 more transcripts); c.3081A>C, p.Glu1027Asp (NM_001407920.1, NM_001407921.1, NM_001407922.1 and 9 more transcripts); c.3078A>C, p.Glu1026Asp (NM_001407930.1, NM_001407931.1, NM_001407932.1 and 2 more transcripts); c.3219A>C, p.Glu1073Asp (NM_001407940.1, NM_001407941.1, NM_001407649.1 and 11 more transcripts); c.3204A>C, p.Glu1068Asp (NM_001407942.1, NM_001407944.1, NM_001407945.1 and 29 more transcripts); and 41 more; short protein forms E1115D, E1068D, E1027D, E1045D, E1073D, E1074D, E1026D, E1044D.
Identifiers: ClinVar variation 229872 (VCV000229872.21), dbSNP rs876658243, ClinGen allele CA10580565.
Genomic context (GRCh38, chr17:43,092,186, plus strand): 5'-CTGTTCTAAGTTATCTGAAATCAGATATGGAGAGAAATCTGTATTAACAGTCTGAACTAC[T>G]TCTTCATATTCTTGCTTTTTTATTTCAGGATGCTTACAATTACTTCCAGGAAGACTTTGT-3'
Protein context (NP_009225.1, residues 1105-1125): HPEIKKQEYE[Glu1115Asp]VVQTVNTDFS